The following is an entry in ClinVar:

ClinVar aggregate classification (germline): Likely benign. Review status: criteria provided, multiple submitters, no conflicts (2 of 4 stars). 3 submissions from 3 submitters: Likely benign (2). 1 of the submissions does not count toward it. Last evaluated 2026-01-05.

Conditions:
ARG1-related disorder. Also called: ARG1-related condition.
Arginase deficiency. Also called: ARGININEMIA; ARG1 DEFICIENCY; Arginase 1 Deficiency. Identifiers: Orphanet 90, MedGen C0268548, MONDO:0008814, OMIM 207800.

Allele frequency attached by ClinVar (database versions not stated): gnomAD exomes 0.00003; ExAC 0.00002; gnomAD 0.00002; TOPMed 0.00005.
gnomAD v4.1: 45 of 1,613,720 alleles (0.0028%); highest among the groups gnomAD compares: Admixed American, 0.005%; no homozygotes.

Submissions (3):

Labcorp Genetics (formerly Invitae), Labcorp
Classification: Likely benign for Arginase deficiency. Last evaluated: 2026-01-05. Review status: criteria provided, single submitter. Criteria: Invitae Variant Classification Sherloc (09022015). Collection method: clinical testing. Allele origin: germline.

Blueprint Genetics
Classification: Likely benign. Last evaluated: 2024-01-15. Review status: criteria provided, single submitter. Criteria: ACMG Guidelines, 2015. Collection method: clinical testing. Allele origin: germline.

PreventionGenetics, part of Exact Sciences
Classification: Likely benign for ARG1-related condition. Last evaluated: 2019-07-14. Review status: no assertion criteria provided. Collection method: clinical testing. Allele origin: germline. Not counted in ClinVar's aggregate classification.
Comment: This variant is classified as likely benign based on ACMG/AMP sequence variant interpretation guidelines (Richards et al. 2015 PMID: 25741868, with internal and published modifications).

NM_000045.4(ARG1):c.525G>A (p.Val175=)

Genes: ARG1 (arginase 1; plus strand), MED23 (mediator complex subunit 23; minus strand). Cytogenetic location: 6q23.2.
Variant type: single nucleotide variant.
Coding change: c.525G>A on transcript NM_000045.4 (MANE Select); coding-DNA position 525, G replaced by A.
Protein change: p.Val175=; no amino-acid change (valine 175 retained).
Molecular consequence: synonymous variant. On other transcripts: non-coding transcript variant (1), intron variant (3).
Genome position (GRCh38, 1-based): chr6:131,582,680, G>A. VCF-style: chr6-131582680-G-A. GRCh37 (hg19) VCF-style: chr6-131903820-G-A.
Other names: c.549G>A, p.Val183= (NM_001244438.2); c.306-380G>A (NM_001369020.1); c.4077+5029C>T (NM_001270521.2); c.4095+5029C>T (NM_015979.4).
Identifiers: ClinVar variation 715844 (VCV000715844.13), dbSNP rs779060814, ClinGen allele CA3999290.